The following is an entry in ClinVar:

NM_000236.3(LIPC):c.1328C>T (p.Pro443Leu)

Gene: LIPC (lipase C, hepatic type; plus strand). Cytogenetic location: 15q21.3.
Variant type: single nucleotide variant.
Coding change: c.1328C>T on transcript NM_000236.3 (MANE Select); coding-DNA position 1328, C replaced by T.
Protein change: p.Pro443Leu; replaces proline 443 with leucine.
Molecular consequence: missense variant.
Genome position (GRCh38, 1-based): chr15:58,563,663, C>T. VCF-style: chr15-58563663-C-T. GRCh37 (hg19) VCF-style: chr15-58855862-C-T.
Other names: c.1328C>T (NM_000236.2); short protein forms P443L.
Identifiers: ClinVar variation 2085303 (VCV002085303.7), dbSNP rs144856280, ClinGen allele CA7585197.

ClinVar aggregate classification (germline): Uncertain significance. Review status: criteria provided, multiple submitters, no conflicts (2 of 4 stars). 2 submissions from 2 submitters: Uncertain significance (2). Last evaluated 2025-12-03.

Allele frequency attached by ClinVar (database versions not stated): ExAC 0.00012; ESP Exome Variant Server 0.00054; 1000 Genomes Project 0.00060; 1000 Genomes Project 30x 0.00062.
gnomAD v4.1: 119 of 1,614,040 alleles (0.0074%); highest among the groups gnomAD compares: African/African-American, 0.11%; 1 homozygote.

Submissions (2):

Labcorp Genetics (formerly Invitae), Labcorp
Classification: Uncertain significance. Last evaluated: 2025-12-03. Review status: criteria provided, single submitter. Criteria: Invitae Variant Classification Sherloc (09022015). Collection method: clinical testing. Allele origin: germline.
Comment: This sequence change replaces proline, which is neutral and non-polar, with leucine, which is neutral and non-polar, at codon 443 of the LIPC protein (p.Pro443Leu). This variant is present in population databases (rs144856280, gnomAD 0.1%), and has an allele count higher than expected for a pathogenic variant. This variant has not been reported in the literature in individuals affected with LIPC-related conditions. ClinVar contains an entry for this variant (Variation ID: 2085303). An algorithm developed to predict the effect of missense changes on protein structure and function (PolyPhen-2) suggests that this variant is likely to be tolerated. In summary, the available evidence is currently insufficient to determine the role of this variant in disease. Therefore, it has been classified as a Variant of Uncertain Significance.

Ambry Genetics
Classification: Uncertain significance. Last evaluated: 2025-05-07. Review status: criteria provided, single submitter. Criteria: Ambry Variant Classification Scheme 2023. Collection method: clinical testing. Allele origin: germline.